The following is an entry in ClinVar:

ClinVar aggregate classification (germline): Uncertain significance (1 of 4 stars; one submission).

Allele frequency attached by ClinVar (database versions not stated): gnomAD 0.00001; gnomAD exomes 0.00001; TOPMed 0.00001.
gnomAD v4.1: 9 of 1,208,063 alleles (0.00074%); highest among the groups gnomAD compares: Non-Finnish European, 0.001%; no homozygotes.

Submission:

GeneDx
Classification: Uncertain significance. Last evaluated: 2016-11-21. Review status: criteria provided, single submitter. Criteria: GeneDx Variant Classification (06012015). Collection method: clinical testing. Allele origin: germline. Affected: yes.
Comment: The L672P variant in the PHEX gene has not been reported previously as a pathogenic variant, nor as a benign variant, to our knowledge. The L672P variant was not observed in approximately 6500 individuals of European and African American ancestry in the NHLBI Exome Sequencing Project, indicating it is not a common benign variant in these populations. The L672P variant is a semi-conservative amino acid substitution, which may impact secondary protein structure as these residues differ in some properties. This substitution occurs at a position that is conserved across species. In silico analysis is inconsistent in its predictions as to whether or not the variant is damaging to the protein structure/function. We interpret L672P as a variant of uncertain significance.

NM_000444.6(PHEX):c.2015T>C (p.Leu672Pro)

Genes: PHEX (phosphate regulating endopeptidase X-linked; plus strand), PTCHD1-AS (PTCHD1 antisense RNA (head to head); minus strand). Cytogenetic location: Xp22.11.
Variant type: single nucleotide variant.
Coding change: c.2015T>C on transcript NM_000444.6 (MANE Select); coding-DNA position 2015, T replaced by C.
Protein change: p.Leu672Pro; replaces leucine 672 with proline.
Molecular consequence: missense variant. On other transcripts: non-coding transcript variant (1).
Genome position (GRCh38, 1-based): chrX:22,227,556, T>C. VCF-style: chrX-22227556-T-C. GRCh37 (hg19) VCF-style: chrX-22245673-T-C.
Other names: c.2015T>C, p.Leu672Pro (NM_001282754.2); short protein forms L672P.
Identifiers: ClinVar variation 373320 (VCV000373320.1), dbSNP rs896575405, ClinGen allele CA16043239.